The following is an entry in ClinVar:

NM_001130438.3(SPTAN1):c.1011G>A (p.Glu337=)

Gene: SPTAN1 (spectrin alpha, non-erythrocytic 1; plus strand). Cytogenetic location: 9q34.11.
Variant type: single nucleotide variant.
Coding change: c.1011G>A on transcript NM_001130438.3 (MANE Select); coding-DNA position 1011, G replaced by A.
Protein change: p.Glu337=; no amino-acid change (glutamic acid 337 retained).
Molecular consequence: synonymous variant.
Genome position (GRCh38, 1-based): chr9:128,577,432, G>A. VCF-style: chr9-128577432-G-A. GRCh37 (hg19) VCF-style: chr9-131339711-G-A.
Other names: c.1011G>A, p.Glu337= (NM_001363759.2, NM_001363765.2, NM_003127.4 and 1 more transcripts).
Identifiers: ClinVar variation 378648 (VCV000378648.13), dbSNP rs376280897, ClinGen allele CA5264284.
Genomic context (GRCh38, chr9:128,577,432, plus strand): 5'-GGCTGACCGCCTGCAACAGTCCCACCCTCTGAGTGCAACACAGATTCAAGTGAAGCGAGA[G>A]GAACTGATTACAAACTGGGAGCAGATCCGCACCTTGGCGGCAGAGAGACATGCACGGCTC-3'
Protein context (NP_001123910.1, residues 327-347): LSATQIQVKR[Glu337=]ELITNWEQIR

ClinVar aggregate classification (germline): Likely benign. Review status: criteria provided, multiple submitters, no conflicts (2 of 4 stars). 3 submissions from 3 submitters: Likely benign (3). Last evaluated 2025-06-12.

Conditions:
Inborn genetic diseases. Identifiers: MedGen C0950123, MeSH D030342.
Early-infantile DEE. Also called: Ohtahara syndrome; Early infantile epileptic encephalopathy with suppression bursts; Early infantile epileptic encephalopathy. Identifiers: Orphanet 1934, MedGen C0393706, MONDO:0800491.

Allele frequency attached by ClinVar (database versions not stated): gnomAD exomes 0.00001 and 0.00002; ExAC 0.00002; gnomAD 0.00013 and 0.00014; TOPMed 0.00014; ESP Exome Variant Server 0.00015.
gnomAD v4.1: 33 of 1,614,102 alleles (0.002%); highest among the groups gnomAD compares: African/African-American, 0.036%; no homozygotes.

Submissions (3):

Labcorp Genetics (formerly Invitae), Labcorp
Classification: Likely benign for Early-infantile DEE. Last evaluated: 2025-06-12. Review status: criteria provided, single submitter. Criteria: Invitae Variant Classification Sherloc (09022015). Collection method: clinical testing. Allele origin: germline.

Ambry Genetics
Classification: Likely benign for Inborn genetic diseases. Last evaluated: 2018-08-17. Review status: criteria provided, single submitter. Criteria: Ambry Variant Classification Scheme 2023. Collection method: clinical testing. Allele origin: germline.

GeneDx
Classification: Likely benign. Last evaluated: 2016-05-10. Review status: criteria provided, single submitter. Criteria: GeneDx Variant Classification (06012015). Collection method: clinical testing. Allele origin: germline. Affected: yes.
Comment: This variant is considered likely benign or benign based on one or more of the following criteria: it is a conservative change, it occurs at a poorly conserved position in the protein, it is predicted to be benign by multiple in silico algorithms, and/or has population frequency not consistent with disease.